The following is an entry in ClinVar:

ClinVar aggregate classification (germline): Uncertain significance (1 of 4 stars; one submission).

Conditions:
DSP-related disorder. Also called: DSP-related condition; DSP-related disorders.

Allele frequency attached by ClinVar (database versions not stated): gnomAD exomes below 0.00001.
gnomAD v4.1: 2 of 1,614,092 alleles (0.00012%); highest among the groups gnomAD compares: African/African-American, 0.0013%; no homozygotes.

Submission:

PreventionGenetics, part of Exact Sciences
Classification: Uncertain significance for DSP-related condition. Last evaluated: 2023-06-19. Review status: criteria provided, single submitter. Criteria: ACMG Guidelines, 2015. Collection method: clinical testing. Allele origin: germline.
Comment: The DSP c.4045A>C variant is predicted to result in the amino acid substitution p.Ser1349Arg. To our knowledge, this variant has not been reported in the literature. This variant is reported in 0.0062% of alleles in individuals of African descent in gnomAD. At this time, the clinical significance of this variant is uncertain due to the absence of conclusive functional and genetic evidence.

NM_004415.4(DSP):c.4045A>C (p.Ser1349Arg)

Gene: DSP (desmoplakin; plus strand). Cytogenetic location: 6p24.3.
Variant type: single nucleotide variant.
Coding change: c.4045A>C on transcript NM_004415.4 (MANE Select); coding-DNA position 4045, A replaced by C.
Protein change: p.Ser1349Arg; replaces serine 1349 with arginine.
Molecular consequence: missense variant. On other transcripts: intron variant (1).
Genome position (GRCh38, 1-based): chr6:7,580,235, A>C. VCF-style: chr6-7580235-A-C. GRCh37 (hg19) VCF-style: chr6-7580468-A-C.
Other names: c.4045A>C, p.Ser1349Arg (NM_001319034.2); c.3582+463A>C (NM_001008844.3); short protein forms S1349R.
Identifiers: ClinVar variation 2632222 (VCV002632222.1), dbSNP rs1218514639, ClinGen allele CA362685424.